The following is an entry in ClinVar:

NM_004525.3(LRP2):c.1362del (p.Asn454fs)

Gene: LRP2 (LDL receptor related protein 2; minus strand). Cytogenetic location: 2q31.1.
Variant type: Deletion.
Coding change: c.1362del on transcript NM_004525.3 (MANE Select); coding-DNA position 1362, one base deleted (T; older notation c.1362delT).
Protein change: p.Asn454fs; shifts the reading frame from asparagine 454.
Molecular consequence: frameshift variant.
Genome position (GRCh38, 1-based): chr2:169,279,575, A deleted on the plus strand (T on the coding strand, the reverse complement: LRP2 is on the minus strand). VCF-style (leftmost placement, unchanged base first): chr2-169279574-CA-C. GRCh37 (hg19) VCF-style: chr2-170136084-CA-C.
Other names: short protein forms N454fs.
Identifiers: ClinVar variation 5014679 (VCV005014679.1).

ClinVar aggregate classification (germline): Pathogenic (1 of 4 stars; one submission).

Conditions:
Donnai-Barrow syndrome. Also called: DBS/FOAR SYNDROME; FACIOOCULOACOUSTICORENAL SYNDROME. Identifiers: Orphanet 2143, MedGen C1857277, MONDO:0009104, OMIM 222448.

Submission:

Myriad Genetics, Inc.
Classification: Pathogenic for Donnai-Barrow syndrome. Last evaluated: 2025-07-03. Review status: criteria provided, single submitter. Criteria: Myriad Autosomal Dominant, Autosomal Recessive and X-Linked Classification Criteria (2023). Collection method: clinical testing. Allele origin: unknown.
Comment: NM_004525.2(LRP2):c.1362delT(N454Kfs*3) is expected to be pathogenic in the context of Donnai-Barrow syndrome. This variant is predicted to lead to an abnormal or absent protein product due to the creation of a premature termination codon in LRP2, a gene where loss-of-function variants are known to be pathogenic. Please note: this variant was assessed in the context of healthy population screening.